The following is an entry in ClinVar:

ClinVar aggregate classification (germline): Conflicting classifications of pathogenicity. Review status: criteria provided, conflicting classifications (1 of 4 stars). 8 submissions from 7 submitters: Uncertain significance (1); Benign (2); Likely benign (5). Last evaluated 2025-11-01.

Conditions:
Hereditary spherocytosis type 1. Also called: Spherocytosis type 1; ANK1-Related Spherocytosis. Identifiers: Orphanet 822, MedGen C2674218, MONDO:0008447, OMIM 182900.
Spherocytosis. Identifiers: MedGen C0553720, HP:0004444.

Allele frequency attached by ClinVar (database versions not stated): 1000 Genomes Project 30x 0.00156; 1000 Genomes Project 0.00160; TOPMed 0.00462; ESP Exome Variant Server 0.00554.
gnomAD v4.1: 10,889 of 1,614,196 alleles (0.67%); highest among the groups gnomAD compares: Non-Finnish European, 0.83%; 45 homozygotes.

Submissions (8):

CeGaT Center for Human Genetics Tuebingen
Classification: Likely benign. Last evaluated: 2025-11-01. Review status: criteria provided, single submitter. Criteria: CeGaT Center For Human Genetics Tuebingen Variant Classification Criteria Version 2. Collection method: clinical testing. Allele origin: germline. Affected: yes. Observed: 9 variant alleles.
Comment: ANK1: BP4, BS2

Labcorp Genetics (formerly Invitae), Labcorp
Classification: Benign. Last evaluated: 2025-09-19. Review status: criteria provided, single submitter. Criteria: Invitae Variant Classification Sherloc (09022015). Collection method: clinical testing. Allele origin: germline.

Mayo Clinic Laboratories, Mayo Clinic
Classification: Likely benign. Last evaluated: 2025-07-02. Review status: criteria provided, single submitter. Criteria: ACMG Guidelines, 2015. Collection method: clinical testing. Allele origin: germline. Observed: 13 variant alleles.

ARUP Laboratories, Molecular Genetics and Genomics, ARUP Laboratories
Classification: Likely benign for Hereditary spherocytosis type 1. Last evaluated: 2025-06-05. Review status: criteria provided, single submitter. Criteria: ARUP Molecular Germline Variant Investigation Process 2024. Collection method: clinical testing. Allele origin: germline.

Blueprint Genetics
Classification: Likely benign. Last evaluated: 2024-11-26. Review status: criteria provided, single submitter. Criteria: ACMG Guidelines, 2015. Collection method: clinical testing. Allele origin: germline.

Illumina Laboratory Services, Illumina
Classification: Likely benign for Hereditary spherocytosis type 1. Last evaluated: 2018-01-13. Review status: criteria provided, single submitter. Criteria: ICSL Variant Classification Criteria 13 December 2019. Collection method: clinical testing. Allele origin: germline.
Comment: This variant was observed in the ICSL laboratory as part of a predisposition screen in an ostensibly healthy population. It had not been previously curated by ICSL or reported in the Human Gene Mutation Database (HGMD: prior to June 1st, 2018), and was therefore a candidate for classification through an automated scoring system. Utilizing variant allele frequency, disease prevalence and penetrance estimates, and inheritance mode, an automated score was calculated to assess if this variant is too frequent to cause the disease. Based on the score and internal cut-off values, a variant classified as likely benign is not then subjected to further curation. The score for this variant resulted in a classification of likely benign for this disease.

Illumina Laboratory Services, Illumina
Classification: Uncertain significance for Spherocytosis. Last evaluated: 2018-01-13. Review status: criteria provided, single submitter. Criteria: ICSL Variant Classification Criteria 13 December 2019. Collection method: clinical testing. Allele origin: germline.

PreventionGenetics, part of Exact Sciences
Classification: Benign. Review status: criteria provided, single submitter. Criteria: ACMG Guidelines, 2015. Collection method: clinical testing. Allele origin: germline.

NM_000037.4(ANK1):c.4974C>T (p.Asp1658=)

Gene: ANK1 (ankyrin 1; minus strand). Cytogenetic location: 8p11.21.
Variant type: single nucleotide variant.
Coding change: c.4974C>T on transcript NM_000037.4 (MANE Select); coding-DNA position 4974, C replaced by T.
Protein change: p.Asp1658=; no amino-acid change (aspartic acid 1658 retained).
Molecular consequence: synonymous variant. On other transcripts: intron variant (1).
Genome position (GRCh38, 1-based): chr8:41,672,476, G>A on the plus strand (C>T on the coding strand, the complement: ANK1 is on the minus strand). VCF-style: chr8-41672476-G-A. GRCh37 (hg19) VCF-style: chr8-41529994-G-A.
Other names: p.Asp1658=; c.5097C>T, p.Asp1699= (NM_001142446.2); c.4974C>T, p.Asp1658= (NM_020475.3, NM_020476.3); c.4538-50C>T (NM_020477.3).
Identifiers: ClinVar variation 261314 (VCV000261314.49), dbSNP rs149859024, ClinGen allele CA4727414.